The following is an entry in ClinVar:

NM_001379451.1(BCORL1):c.3145G>A (p.Val1049Met)

Gene: BCORL1 (BCL6 corepressor like 1; plus strand). Cytogenetic location: Xq26.1.
Variant type: single nucleotide variant.
Coding change: c.3145G>A on transcript NM_001379451.1 (MANE Select); coding-DNA position 3145, G replaced by A.
Protein change: p.Val1049Met; replaces valine 1049 with methionine.
Molecular consequence: missense variant.
Genome position (GRCh38, 1-based): chrX:130,015,917, G>A. VCF-style: chrX-130015917-G-A. GRCh37 (hg19) VCF-style: chrX-129149893-G-A.
Other names: c.3145G>A, p.Val1049Met (NM_001184772.3, NM_001379450.1, NM_021946.5); short protein forms V1049M.
Identifiers: ClinVar variation 1700751 (VCV001700751.2), dbSNP rs2124454608, ClinGen allele CA414594473.
Genomic context (GRCh38, chrX:130,015,917, plus strand): 5'-AGCAGGAGGGGCTCCAGCACAGAGCGCCCACAGCTTGGAAGCCAGGTGGATCTGGGGCGA[G>A]TGAAAATGGAGAAGGTGGATGGTGATGTGGTCTTCAATTTAGCCACCTGCTTCCGGGCTG-3'
Protein context (NP_001366380.1, residues 1039-1059): QLGSQVDLGR[Val1049Met]KMEKVDGDVV

ClinVar aggregate classification (germline): Uncertain significance (1 of 4 stars; one submission).

Allele frequency attached by ClinVar (database versions not stated): gnomAD exomes 0.00001.
gnomAD v4.1: 4 of 1,212,034 alleles (0.00033%); highest among the groups gnomAD compares: Non-Finnish European, 0.00045%; no homozygotes.

Submission:

GeneDx
Classification: Uncertain significance. Last evaluated: 2022-02-09. Review status: criteria provided, single submitter. Criteria: GeneDx Variant Classification Process June 2021. Collection method: clinical testing. Allele origin: germline. Affected: yes.
Comment: Not observed at significant frequency in large population cohorts (gnomAD); In silico analysis supports that this missense variant does not alter protein structure/function; Has not been previously published as pathogenic or benign to our knowledge